The following is an entry in ClinVar:

ClinVar aggregate classification (germline): Conflicting classifications of pathogenicity. Review status: criteria provided, conflicting classifications (1 of 4 stars). 2 submissions from 2 submitters: Uncertain significance (1); Likely benign (1). Last evaluated 2025-07-31.

Conditions:
Inborn genetic diseases. Identifiers: MedGen C0950123, MeSH D030342.

gnomAD v4.1: 2 of 1,539,162 alleles (0.00013%); highest among the groups gnomAD compares: South Asian, 0.0012%; no homozygotes.

Submissions (2):

Ambry Genetics
Classification: Likely benign for Inborn genetic diseases. Last evaluated: 2025-07-31. Review status: criteria provided, single submitter. Criteria: Ambry Variant Classification Scheme 2023. Collection method: clinical testing. Allele origin: germline.

Labcorp Genetics (formerly Invitae), Labcorp
Classification: Uncertain significance. Last evaluated: 2021-10-24. Review status: criteria provided, single submitter. Criteria: Invitae Variant Classification Sherloc (09022015). Collection method: clinical testing. Allele origin: germline.
Comment: This sequence change replaces valine with methionine at codon 18 of the SLC19A2 protein (p.Val18Met). The valine residue is weakly conserved and there is a small physicochemical difference between valine and methionine. The frequency data for this variant in the population databases is considered unreliable, as metrics indicate insufficient coverage at this position in the ExAC database. This variant has not been reported in the literature in individuals affected with SLC19A2-related conditions. Advanced modeling of protein sequence and biophysical properties (such as structural, functional, and spatial information, amino acid conservation, physicochemical variation, residue mobility, and thermodynamic stability) performed at Invitae indicates that this missense variant is not expected to disrupt SLC19A2 protein function. In summary, the available evidence is currently insufficient to determine the role of this variant in disease. Therefore, it has been classified as a Variant of Uncertain Significance.

NM_006996.3(SLC19A2):c.52G>A (p.Val18Met)

Genes: SLC19A2 (solute carrier family 19 member 2; minus strand), LOC129931894 (ATAC-STARR-seq lymphoblastoid silent region 1546; plus strand). Cytogenetic location: 1q24.2.
Variant type: single nucleotide variant.
Coding change: c.52G>A on transcript NM_006996.3 (MANE Select); coding-DNA position 52, G replaced by A.
Protein change: p.Val18Met; replaces valine 18 with methionine.
Molecular consequence: missense variant.
Genome position (GRCh38, 1-based): chr1:169,485,715, C>T on the plus strand (G>A on the coding strand, the complement: SLC19A2 is on the minus strand). VCF-style: chr1-169485715-C-T. GRCh37 (hg19) VCF-style: chr1-169454953-C-T.
Other names: c.52G>A, p.Val18Met (NM_001319667.1); c.52G>A (NM_006996.2); short protein forms V18M.
Identifiers: ClinVar variation 1519220 (VCV001519220.4), dbSNP rs574924879, ClinGen allele CA343112497.